The following is an entry in ClinVar:

ClinVar aggregate classification (germline): Uncertain significance. Review status: criteria provided, single submitter (1 of 4 stars). 2 submissions from 2 submitters: Uncertain significance (1). 1 of the submissions does not count toward it. Last evaluated 2025-03-24.

Conditions:
Intellectual disability, X-linked, with or without seizures, ARX-related. Also called: MENTAL RETARDATION, X-LINKED 29; MENTAL RETARDATION, X-LINKED 32; MENTAL RETARDATION, X-LINKED 33; MENTAL RETARDATION, X-LINKED 38; MENTAL RETARDATION, X-LINKED 43; MENTAL RETARDATION, X-LINKED 76. Identifiers: Orphanet 777, MedGen C0796244, MONDO:0010317, OMIM 300419.
Developmental and epileptic encephalopathy, 1 (DEE1). Also called: INFANTILE SPASM SYNDROME, X-LINKED 1; Epileptic encephalopathy, early infantile, 1; X-linked infantile spasms; West's syndrome; Tonic spasms with clustering, arrest of psychomotor development and hypsarrhythmia on EEG; X-Linked Infantile Spasm Syndrome. Identifiers: MedGen C3463992, MONDO:0010632, OMIM 308350. Disease mechanism: loss of function.
Intellectual disability. Also called: intellectual disabilities; Intellectual functioning disability; Intellectual developmental disorder. Identifiers: MedGen C3714756, MeSH D008607, MONDO:0001071, HP:0001249.

Submissions (2):

Labcorp Genetics (formerly Invitae), Labcorp
Classification: Uncertain significance for Developmental and epileptic encephalopathy, 1; Intellectual disability, X-linked, with or without seizures, ARX-related. Last evaluated: 2025-03-24. Review status: criteria provided, single submitter. Criteria: Invitae Variant Classification Sherloc (09022015). Collection method: clinical testing. Allele origin: germline.
Comment: This sequence change replaces arginine, which is basic and polar, with leucine, which is neutral and non-polar, at codon 204 of the ARX protein (p.Arg204Leu). This variant is not present in population databases (gnomAD no frequency). This variant has not been reported in the literature in individuals affected with ARX-related conditions. ClinVar contains an entry for this variant (Variation ID: 664053). Invitae Evidence Modeling of protein sequence and biophysical properties (such as structural, functional, and spatial information, amino acid conservation, physicochemical variation, residue mobility, and thermodynamic stability) indicates that this missense variant is not expected to disrupt ARX protein function with a negative predictive value of 95%. In summary, the available evidence is currently insufficient to determine the role of this variant in disease. Therefore, it has been classified as a Variant of Uncertain Significance.

Centre de Biologie Pathologie Génétique, Centre Hospitalier Universitaire de Lille
Classification: Likely benign for Intellectual disability. Last evaluated: 2019-01-01. Review status: no assertion criteria provided. Collection method: clinical testing. Allele origin: inherited. Affected: yes. Not counted in ClinVar's aggregate classification.

NM_139058.3(ARX):c.611G>T (p.Arg204Leu)

Gene: ARX (aristaless related homeobox; minus strand). Cytogenetic location: Xp21.3.
Variant type: single nucleotide variant.
Coding change: c.611G>T on transcript NM_139058.3 (MANE Select); coding-DNA position 611, G replaced by T.
Protein change: p.Arg204Leu; replaces arginine 204 with leucine.
Molecular consequence: missense variant.
Genome position (GRCh38, 1-based): chrX:25,013,384, C>A on the plus strand (G>T on the coding strand, the complement: ARX is on the minus strand). VCF-style: chrX-25013384-C-A. GRCh37 (hg19) VCF-style: chrX-25031501-C-A.
Other names: short protein forms R204L.
Identifiers: ClinVar variation 664053 (VCV000664053.6), dbSNP rs755745002, ClinGen allele CA412612806.